The following is an entry in ClinVar:

ClinVar aggregate classification (germline): Uncertain significance. Review status: criteria provided, multiple submitters, no conflicts (2 of 4 stars). 2 submissions from 2 submitters: Uncertain significance (2). Last evaluated 2023-12-01.

gnomAD v4.1: 3 of 1,613,340 alleles (0.00019%); highest among the groups gnomAD compares: Admixed American, 0.0033%; no homozygotes.

Submissions (2):

Labcorp Genetics (formerly Invitae), Labcorp
Classification: Uncertain significance. Last evaluated: 2023-12-01. Review status: criteria provided, single submitter. Criteria: Invitae Variant Classification Sherloc (09022015). Collection method: clinical testing. Allele origin: germline.
Comment: This sequence change replaces aspartic acid, which is acidic and polar, with glutamic acid, which is acidic and polar, at codon 185 of the PDE6B protein (p.Asp185Glu). This variant is present in population databases (no rsID available, gnomAD 0.006%). This variant has not been reported in the literature in individuals affected with PDE6B-related conditions. Advanced modeling of protein sequence and biophysical properties (such as structural, functional, and spatial information, amino acid conservation, physicochemical variation, residue mobility, and thermodynamic stability) performed at Invitae indicates that this missense variant is not expected to disrupt PDE6B protein function with a negative predictive value of 95%. In summary, the available evidence is currently insufficient to determine the role of this variant in disease. Therefore, it has been classified as a Variant of Uncertain Significance.

Blueprint Genetics
Classification: Uncertain significance. Last evaluated: 2022-11-17. Review status: criteria provided, single submitter. Criteria: ACMG Guidelines, 2015. Collection method: clinical testing. Allele origin: germline.

NM_000283.4(PDE6B):c.555C>G (p.Asp185Glu)

Gene: PDE6B (phosphodiesterase 6B; plus strand). Cytogenetic location: 4p16.3.
Variant type: single nucleotide variant.
Coding change: c.555C>G on transcript NM_000283.4 (MANE Select); coding-DNA position 555, C replaced by G.
Protein change: p.Asp185Glu; replaces aspartic acid 185 with glutamic acid.
Molecular consequence: missense variant.
Genome position (GRCh38, 1-based): chr4:634,763, C>G. VCF-style: chr4-634763-C-G. GRCh37 (hg19) VCF-style: chr4-628552-C-G.
Other names: c.555C>G, p.Asp185Glu (NM_001145291.2); short protein forms D185E.
Identifiers: ClinVar variation 2963122 (VCV002963122.4), dbSNP rs757424904, ClinGen allele CA355908281.